The following is an entry in ClinVar:

NM_001148.6(ANK2):c.3086G>A (p.Arg1029His)

Gene: ANK2 (ankyrin 2; plus strand). Cytogenetic location: 4q26.
Variant type: single nucleotide variant.
Coding change: c.3086G>A on transcript NM_001148.6 (MANE Select); coding-DNA position 3086, G replaced by A.
Protein change: p.Arg1029His; replaces arginine 1029 with histidine.
Molecular consequence: missense variant.
Genome position (GRCh38, 1-based): chr4:113,330,431, G>A. VCF-style: chr4-113330431-G-A. GRCh37 (hg19) VCF-style: chr4-114251587-G-A.
Other names: c.3059G>A, p.Arg1020His (NM_001127493.3); c.3098G>A, p.Arg1033His (NM_001354225.2); c.3086G>A, p.Arg1029His (NM_001354228.2, NM_001354258.2, NM_020977.5); c.3164G>A, p.Arg1055His (NM_001354230.2, NM_001354237.2); c.3128G>A, p.Arg1043His (NM_001354231.2, NM_001354242.2); c.3122G>A, p.Arg1041His (NM_001354232.2); c.3083G>A, p.Arg1028His (NM_001354235.2, NM_001354236.2, NM_001354246.2 and 1 more transcripts); c.3056G>A, p.Arg1019His (NM_001354239.2, NM_001354252.2, NM_001354272.2); and 23 more; short protein forms R1000H, R1015H, R1028H, R962H, R996H, R1007H, R1008H, R1033H.
Identifiers: ClinVar variation 854148 (VCV000854148.9), dbSNP rs758980553, ClinGen allele CA3050764.
Genomic context (GRCh38, chr4:113,330,431, plus strand): 5'-TCAAGCGCCACAGACTGGCAACAATGCCTCCAATGGTGGAAGGAGAAGGCCTGGCCAGTC[G>A]CCTGATCGAAGTTGGACCTTCTGGTGCTCAGTTCCTTGGGTAAGGGTTTCTGATAAACCT-3'
Protein context (NP_001139.3, residues 1019-1039): PMVEGEGLAS[Arg1029His]LIEVGPSGAQ

ClinVar aggregate classification (germline): Uncertain significance. Review status: criteria provided, multiple submitters, no conflicts (2 of 4 stars). 3 submissions from 3 submitters: Uncertain significance (3). Last evaluated 2023-12-08.

Conditions:
Cardiovascular phenotype. Identifiers: MedGen CN230736.
Long QT syndrome (LQTS). Identifiers: MedGen C0023976, MeSH D008133, MONDO:0002442. Disease mechanism: loss of function. Inheritance: Various modes of inheritance.

Allele frequency attached by ClinVar (database versions not stated): gnomAD exomes below 0.00001; ExAC 0.00001; gnomAD 0.00001; TOPMed 0.00001.
gnomAD v4.1: 7 of 1,614,082 alleles (0.00043%); highest among the groups gnomAD compares: Admixed American, 0.0033%; no homozygotes.

Submissions (3):

Ambry Genetics
Classification: Uncertain significance for Cardiovascular phenotype. Last evaluated: 2023-12-08. Review status: criteria provided, single submitter. Criteria: Ambry Variant Classification Scheme 2023. Collection method: clinical testing. Allele origin: germline.
Comment: The p.R1029H variant (also known as c.3086G>A), located in coding exon 27 of the ANK2 gene, results from a G to A substitution at nucleotide position 3086. The arginine at codon 1029 is replaced by histidine, an amino acid with highly similar properties. This amino acid position is highly conserved in available vertebrate species. In addition, this alteration is predicted to be deleterious by in silico analysis. Since supporting evidence is limited at this time, the clinical significance of this alteration remains unclear.

GeneDx
Classification: Uncertain significance. Last evaluated: 2020-01-06. Review status: criteria provided, single submitter. Criteria: GeneDx Variant Classification Process June 2021. Collection method: clinical testing. Allele origin: germline. Affected: yes.
Comment: Has not been previously published as pathogenic or benign to our knowledge; Not observed at a significant frequency in large population cohorts (Lek et al., 2016); In silico analysis, which includes protein predictors and evolutionary conservation, supports a deleterious effect

Labcorp Genetics (formerly Invitae), Labcorp
Classification: Uncertain significance for Long QT syndrome. Last evaluated: 2019-12-01. Review status: criteria provided, single submitter. Criteria: Invitae Variant Classification Sherloc (09022015). Collection method: clinical testing. Allele origin: germline.
Comment: In summary, the available evidence is currently insufficient to determine the role of this variant in disease. Therefore, it has been classified as a Variant of Uncertain Significance. Algorithms developed to predict the effect of missense changes on protein structure and function are either unavailable or do not agree on the potential impact of this missense change (SIFT: "Deleterious"; PolyPhen-2: "Probably Damaging"; Align-GVGD: "Class C0"). This variant has not been reported in the literature in individuals with ANK2-related conditions. This variant is present in population databases (rs758980553, ExAC 0.009%). This sequence change replaces arginine with histidine at codon 1029 of the ANK2 protein (p.Arg1029His). The arginine residue is highly conserved and there is a small physicochemical difference between arginine and histidine.